The following is an entry in ClinVar:

ClinVar aggregate classification (germline): Pathogenic. Review status: criteria provided, multiple submitters, no conflicts (2 of 4 stars). 6 submissions from 6 submitters: Pathogenic (4). 2 of the submissions do not count toward it. Last evaluated 2025-10-14.

Conditions:
Biotinidase deficiency. Also called: BTD deficiency; Late-onset biotin-responsive multiple carboxylase deficiency; Biotin deficiency. Identifiers: Orphanet 79241, MedGen C0220754, MONDO:0009665, OMIM 253260.

Allele frequency attached by ClinVar (database versions not stated): gnomAD exomes below 0.00001.

Submissions (6):

Labcorp Genetics (formerly Invitae), Labcorp
Classification: Pathogenic for Biotinidase deficiency. Last evaluated: 2025-10-14. Review status: criteria provided, single submitter. Criteria: Invitae Variant Classification Sherloc (09022015). Collection method: clinical testing. Allele origin: germline.
Comment: This sequence change creates a premature translational stop signal (p.Thr351Lysfs*12) in the BTD gene. While this is not anticipated to result in nonsense mediated decay, it is expected to disrupt the last 193 amino acid(s) of the BTD protein. This variant is not present in population databases (gnomAD no frequency). This premature translational stop signal has been observed in individuals with profound biotinidase deficiency (PMID: 12359137, 15776412, 20083419). ClinVar contains an entry for this variant (Variation ID: 25057). This variant disrupts a region of the BTD protein in which other variant(s) (p.Leu498Phefs*13) have been determined to be pathogenic (PMID: 17382128, 19728141, 29359854). This suggests that this is a clinically significant region of the protein, and that variants that disrupt it are likely to be disease-causing. For these reasons, this variant has been classified as Pathogenic.

Baylor Genetics
Classification: Pathogenic for Biotinidase deficiency. Last evaluated: 2023-05-23. Review status: criteria provided, single submitter. Criteria: ACMG Guidelines, 2015. Collection method: clinical testing. Allele origin: unknown.

Quest Diagnostics Nichols Institute San Juan Capistrano
Classification: Pathogenic. Last evaluated: 2020-11-13. Review status: criteria provided, single submitter. Criteria: Quest Diagnostics criteria. Collection method: clinical testing. Allele origin: unknown.
Comment: The variant results in a shift of the reading frame, and is therefore predicted to result in the loss of a functional protein. Found in at least one symptomatic patient, and not found in general population data.

GeneDx
Classification: Pathogenic. Last evaluated: 2018-09-27. Review status: criteria provided, single submitter. Criteria: GeneDx Variant Classification (06012015). Collection method: clinical testing. Allele origin: germline. Affected: yes.
Comment: The c.1052delC variant in the BTD gene has been reported previously in association with biotinidase deficiency (Wolf et al. 2002; Iqbal et al. 2010; Gannavarapu et al. 2015). The c.1052delC variant has been reported to be associated with profound biotinidase deficiency in a patient who also harbored a second frameshift variant as well as in a patient homozygous for c.1052delC (Wolf et al. 2002; Iqbal et al. 2010). However, a second patient homozygous for c.1052delC was reported with partial biotinidase deficiency (Iqbal et al. 2010). The c.1052delC deletion causes a frameshift starting with codon Threonine 351, changes this amino acid to a Lysine residue and creates a premature Stop codon at position 12 of the new reading frame, denoted p.Thr351LysfsX12. This pathogenic variant is predicted to cause loss of normal protein function through protein truncation. The c.1052delC variant was not observed in approximately 6500 individuals of European and African American ancestry in the NHLBI Exome Sequencing Project, indicating it is not a common benign variant in these populations. In summary, we interpret c.1052delC to be a pathogenic variant.

Natera, Inc.
Classification: Pathogenic for Biotinidase deficiency. Last evaluated: 2022-02-16. Review status: no assertion criteria provided. Collection method: clinical testing. Allele origin: germline. Not counted in ClinVar's aggregate classification.

Counsyl
Classification: Pathogenic for Biotinidase deficiency. Last evaluated: 2016-08-09. Review status: no assertion criteria provided. Collection method: clinical testing. Allele origin: unknown. Not counted in ClinVar's aggregate classification.

Literature cited by the submitters: PubMed 12359137 (cited by 3 submitters); PubMed 15776412 (cited by Labcorp Genetics (formerly Invitae), Labcorp and Quest Diagnostics Nichols Institute San Juan Capistrano); PubMed 20083419 (cited by 3 submitters); PubMed 17382128 (cited by Labcorp Genetics (formerly Invitae), Labcorp); PubMed 19728141 (cited by Labcorp Genetics (formerly Invitae), Labcorp); PubMed 29359854 (cited by Labcorp Genetics (formerly Invitae), Labcorp).

NM_001370658.1(BTD):c.992del (p.Thr331fs)

Gene: BTD (biotinidase; plus strand). Cytogenetic location: 3p25.1.
Variant type: Deletion.
Coding change: c.992del on transcript NM_001370658.1 (MANE Select); coding-DNA position 992, one base deleted (C; older notation c.992delC).
Protein change: p.Thr331fs; shifts the reading frame from threonine 331.
Molecular consequence: frameshift variant. On other transcripts: intron variant (6).
Genome position (GRCh38, 1-based): chr3:15,644,908, C deleted. VCF-style (leftmost placement, unchanged base first): chr3-15644907-AC-A. GRCh37 (hg19) VCF-style: chr3-15686414-AC-A.
Other names: c.1052delC (NM_000060.2); c.1052del (NM_000060.4); c.992del, p.Thr331fs (NM_001281723.4, NM_001281724.3, NM_001281725.3 and 18 more transcripts); c.399+2851del (NM_001370753.1, NM_001407400.1, NM_001407380.1 and 3 more transcripts); short protein forms T331fs.
Identifiers: ClinVar variation 25057 (VCV000025057.17), dbSNP rs397514398, ClinGen allele CA278288.
Genomic context (GRCh38, chr3:15,644,907, plus strand): 5'-CACCTTATAATTGCCCAGGTGGCCAAAAATCCAGTGGGTCTCATTGGTGCAGAGAATGCA[AC>A]AGGTGAAACGGACCCATCCCATAGTAAGTTTTTAAAAATTTTGTCAGGCGATCCGTACTG-3'